The following is an entry in ClinVar:

NM_134261.3(RORA):c.1498C>T (p.Arg500Ter)

Genes: RORA (RAR related orphan receptor A; minus strand), RORA-AS1 (RORA antisense RNA 1; plus strand). Cytogenetic location: 15q22.2.
Variant type: single nucleotide variant.
Coding change: c.1498C>T on transcript NM_134261.3 (MANE Select); coding-DNA position 1498, C replaced by T.
Protein change: p.Arg500Ter; replaces arginine 500 with a stop codon.
Molecular consequence: nonsense.
Genome position (GRCh38, 1-based): chr15:60,497,529, G>A on the plus strand (C>T on the coding strand, the complement: RORA is on the minus strand). VCF-style: chr15-60497529-G-A. GRCh37 (hg19) VCF-style: chr15-60789728-G-A.
Other names: c.1498C>T (NM_134261.2); c.1573C>T, p.Arg525Ter (NM_002943.4); c.1597C>T, p.Arg533Ter (NM_134260.3); c.1333C>T, p.Arg445Ter (NM_134262.3); short protein forms R500*, R525*, R533*, R445*.
Identifiers: ClinVar variation 559568 (VCV000559568.32), dbSNP rs1555421544, ClinGen allele CA392666838.
Genomic context (GRCh38, chr15:60,497,529, plus strand): 5'-GCATTGCTGGCTCAAATTCTGAAGTGAACAACTCCTTGTATAATGGAGGAAAATGAAGTC[G>A]CACAATGTCTGGGTATATTGCTTTAAATGCCATTAGCTTTTCTGTATGTCGTCCACATAA-3'

ClinVar aggregate classification (germline): Pathogenic/Likely pathogenic. Review status: criteria provided, multiple submitters, no conflicts (2 of 4 stars). 4 submissions from 4 submitters: Pathogenic (3); Likely pathogenic (1). Last evaluated 2026-01-27.

Conditions:
RORA-related disorder. Also called: RORA-related condition.

Submissions (4):

GeneDx
Classification: Pathogenic. Last evaluated: 2026-01-27. Review status: criteria provided, single submitter. Criteria: GeneDx Variant Classification Process June 2021. Collection method: clinical testing. Allele origin: germline. Affected: yes.
Comment: Nonsense variant predicted to result in protein truncation, as the last 24 amino acids are lost, and other loss-of-function variants have been reported downstream at GeneDx; Not observed at significant frequency in large population cohorts (gnomAD); This variant is associated with the following publications: (PMID: 29656859, 33149276)

Blueprint Genetics
Classification: Likely pathogenic for RORA-related disorders. Last evaluated: 2024-11-06. Review status: criteria provided, single submitter. Criteria: ACMG Guidelines, 2015. Collection method: clinical testing. Allele origin: germline. Affected: yes. Observed: 1 variant allele.

CeGaT Center for Human Genetics Tuebingen
Classification: Pathogenic. Last evaluated: 2023-01-01. Review status: criteria provided, single submitter. Criteria: CeGaT Center For Human Genetics Tuebingen Variant Classification Criteria Version 2. Collection method: clinical testing. Allele origin: germline. Affected: yes. Observed: 1 variant allele.
Comment: RORA: PS2, PVS1:Strong, PM2

Center for Pediatric Genomic Medicine, Children's Mercy Hospital and Clinics
Classification: Pathogenic. Last evaluated: 2018-06-21-05:00. Review status: criteria provided, single submitter. Criteria: ACMG Guidelines, 2015. Collection method: clinical testing. Allele origin: de novo.